The following is an entry in ClinVar:

ClinVar aggregate classification (germline): Pathogenic/Likely pathogenic. Review status: criteria provided, multiple submitters, no conflicts (2 of 4 stars). 4 submissions from 4 submitters: Pathogenic (2); Likely pathogenic (2). Last evaluated 2024-12-02.

Conditions:
Combined malonic and methylmalonic acidemia. Identifiers: Orphanet 289504, MedGen C3280314, MONDO:0013661, OMIM 614265.
Inborn genetic diseases. Identifiers: MedGen C0950123, MeSH D030342.

Submissions (4):

Labcorp Genetics (formerly Invitae), Labcorp
Classification: Pathogenic for Combined malonic and methylmalonic acidemia. Last evaluated: 2024-12-02. Review status: criteria provided, single submitter. Criteria: Invitae Variant Classification Sherloc (09022015). Collection method: clinical testing. Allele origin: germline.
Comment: This sequence change creates a premature translational stop signal (p.Pro268Leufs*13) in the ACSF3 gene. It is expected to result in an absent or disrupted protein product. Loss-of-function variants in ACSF3 are known to be pathogenic (PMID: 21841779, 26827111). This variant is present in population databases (rs767946490, gnomAD 0.003%). This variant has not been reported in the literature in individuals affected with ACSF3-related conditions. ClinVar contains an entry for this variant (Variation ID: 851516). For these reasons, this variant has been classified as Pathogenic.

Fulgent Genetics
Classification: Likely pathogenic for Combined malonic and methylmalonic acidemia. Last evaluated: 2024-04-30. Review status: criteria provided, single submitter. Criteria: ACMG Guidelines, 2015. Collection method: clinical testing. Allele origin: germline.

Baylor Genetics
Classification: Likely pathogenic for Combined malonic and methylmalonic acidemia. Last evaluated: 2023-01-10. Review status: criteria provided, single submitter. Criteria: ACMG Guidelines, 2015. Collection method: clinical testing. Allele origin: unknown.

Ambry Genetics
Classification: Pathogenic for Inborn genetic diseases. Last evaluated: 2022-05-29. Review status: criteria provided, single submitter. Criteria: Ambry Variant Classification Scheme 2023. Collection method: clinical testing. Allele origin: germline.
Comment: The c.803delC (p.P268Lfs*13) alteration, located in exon 4 (coding exon 2) of the ACSF3 gene, consists of a deletion of one nucleotide at position 803, causing a translational frameshift with a predicted alternate stop codon after 13 amino acids. This alteration is expected to result in loss of function by premature protein truncation or nonsense-mediated mRNA decay. Based on data from gnomAD, this alteration has an overall frequency of <0.01% (1/250568) total alleles studied. Based on the available evidence, this alteration is classified as pathogenic.

Literature cited by the submitters: PubMed 21841779 (cited by Labcorp Genetics (formerly Invitae), Labcorp); PubMed 26827111 (cited by Labcorp Genetics (formerly Invitae), Labcorp).

NM_001243279.3(ACSF3):c.803del (p.Pro268fs)

Gene: ACSF3 (acyl-CoA synthetase family member 3; plus strand). Cytogenetic location: 16q24.3.
Variant type: Deletion.
Coding change: c.803del on transcript NM_001243279.3 (MANE Select); coding-DNA position 803, one base deleted (C; older notation c.803delC).
Protein change: p.Pro268fs; shifts the reading frame from proline 268.
Molecular consequence: frameshift variant. On other transcripts: non-coding transcript variant (3).
Genome position (GRCh38, 1-based): chr16:89,102,740, C deleted; the last of 2 consecutive C bases (chr16:89,102,739-89,102,740); deleting either gives the same sequence. VCF-style (leftmost placement, unchanged base first): chr16-89102738-GC-G. GRCh37 (hg19) VCF-style: chr16-89169146-GC-G.
Other names: c.803del, p.Pro268fs (NM_001127214.4, NM_174917.5); c.8del, p.Pro3fs (NM_001284316.2); c.803delC (NM_174917.3); short protein forms P3fs, P268fs.
Identifiers: ClinVar variation 851516 (VCV000851516.10), dbSNP rs767946490, ClinGen allele CA8237794.
Genomic context (GRCh38, chr16:89,102,738, plus strand): 5'-CCATGGTGTGGTCAACGCGCTGCTCTGTCCTCTCTGGGTGGGAGCCACCTGTGTGATGAT[GC>G]CTGAGTTCAGCCCTCAGCAGGTGAGTTGGGGTCAGGGCTCTCGGTTGCACCCTCAGACTA-3'